The following is an entry in ClinVar:

NM_004036.5(ADCY3):c.775C>T (p.Arg259Cys)

Gene: ADCY3 (adenylate cyclase 3; minus strand). Cytogenetic location: 2p23.3.
Variant type: single nucleotide variant.
Coding change: c.775C>T on transcript NM_004036.5 (MANE Select); coding-DNA position 775, C replaced by T.
Protein change: p.Arg259Cys; replaces arginine 259 with cysteine.
Molecular consequence: missense variant.
Genome position (GRCh38, 1-based): chr2:24,872,620, G>A on the plus strand (C>T on the coding strand, the complement: ADCY3 is on the minus strand). VCF-style: chr2-24872620-G-A. GRCh37 (hg19) VCF-style: chr2-25095489-G-A.
Other names: c.775C>T (NM_001320613.1, NM_004036.4); c.775C>T, p.Arg259Cys (NM_001320613.2, NM_001377128.1, NM_001377129.1 and 2 more transcripts); c.52C>T, p.Arg18Cys (NM_001377131.1); short protein forms R259C, R18C.
Identifiers: ClinVar variation 1394153 (VCV001394153.10), dbSNP rs756575010, ClinGen allele CA1554408.
Genomic context (GRCh38, chr2:24,872,620, plus strand): 5'-AGAGCCTCACCTGCTGCTGGCTCTGCTCTTCCAGGTTCATCTTCACCTCCAGCGACTGGC[G>A]GGCCTCCAGGAAGGCCTTGCGGTGCTTGCGGTCAGCCATGTAGTAGGACATGATGCCCAC-3'
Protein context (NP_004027.2, residues 249-269): RKHRKAFLEA[Arg259Cys]QSLEVKMNLE

ClinVar aggregate classification (germline): Uncertain significance. Review status: criteria provided, multiple submitters, no conflicts (2 of 4 stars). 3 submissions from 3 submitters: Uncertain significance (2). 1 of the submissions does not count toward it. Last evaluated 2026-02-07.

Conditions:
ADCY3-related disorder. Also called: ADCY3-related condition.

Allele frequency attached by ClinVar (database versions not stated): gnomAD 0.00008 and 0.00009; gnomAD exomes 0.00006 and 0.00005; TOPMed 0.00007; ExAC 0.00004.
gnomAD v4.1: 92 of 1,614,060 alleles (0.0057%); highest among the groups gnomAD compares: South Asian, 0.0088%; 2 homozygotes.

Submissions (3):

GeneDx
Classification: Uncertain significance. Last evaluated: 2026-02-07. Review status: criteria provided, single submitter. Criteria: GeneDx Variant Classification Process June 2021. Collection method: clinical testing. Allele origin: germline.
Comment: Observed in a cohort of patients with ulcerative colitis in published literature (PMID: 27490946); In silico analysis supports that this missense variant has a deleterious effect on protein structure/function; This variant is associated with the following publications: (PMID: 27490946)

Labcorp Genetics (formerly Invitae), Labcorp
Classification: Uncertain significance. Last evaluated: 2024-10-05. Review status: criteria provided, single submitter. Criteria: Invitae Variant Classification Sherloc (09022015). Collection method: clinical testing. Allele origin: germline.
Comment: This sequence change replaces arginine, which is basic and polar, with cysteine, which is neutral and slightly polar, at codon 259 of the ADCY3 protein (p.Arg259Cys). This variant is present in population databases (rs756575010, gnomAD 0.01%). This variant has not been reported in the literature in individuals affected with ADCY3-related conditions. ClinVar contains an entry for this variant (Variation ID: 1394153). Invitae Evidence Modeling of protein sequence and biophysical properties (such as structural, functional, and spatial information, amino acid conservation, physicochemical variation, residue mobility, and thermodynamic stability) indicates that this missense variant is expected to disrupt ADCY3 protein function with a positive predictive value of 80%. In summary, the available evidence is currently insufficient to determine the role of this variant in disease. Therefore, it has been classified as a Variant of Uncertain Significance.

PreventionGenetics, part of Exact Sciences
Classification: Uncertain significance for ADCY3-related condition. Last evaluated: 2024-07-17. Review status: no assertion criteria provided. Collection method: clinical testing. Allele origin: germline. Not counted in ClinVar's aggregate classification.
Comment: The ADCY3 c.775C>T variant is predicted to result in the amino acid substitution p.Arg259Cys. To our knowledge, this variant has not been reported in the literature. This variant is reported in 0.0093% of alleles in individuals of European (Non-Finnish) descent in gnomAD, including 1 homozygous individual. At this time, the clinical significance of this variant is uncertain due to the absence of conclusive functional and genetic evidence.